The following is an entry in ClinVar:

ClinVar aggregate classification (germline): Conflicting classifications of pathogenicity. Review status: criteria provided, conflicting classifications (1 of 4 stars). 5 submissions from 5 submitters: Uncertain significance (3); Likely benign (2). Last evaluated 2026-04-01.

Conditions:
Cardiovascular phenotype. Identifiers: MedGen CN230736.
Autosomal recessive limb-girdle muscular dystrophy type 2J (LGMDR10). Also called: Limb-girdle muscular dystrophy, type 2J; MUSCULAR DYSTROPHY, LIMB-GIRDLE, AUTOSOMAL RECESSIVE 10. Identifiers: Orphanet 140922, MedGen C1837342, MONDO:0012127, OMIM 608807.
Dilated cardiomyopathy 1G (CMD1G). Identifiers: Orphanet 154, MedGen C1858763, MONDO:0011400, OMIM 604145.

Allele frequency attached by ClinVar (database versions not stated): gnomAD exomes 0.00002 and 0.00003; ExAC 0.00003; TOPMed 0.00005; gnomAD 0.00006 and 0.00007; ESP Exome Variant Server 0.00017.
gnomAD v4.1: 42 of 1,613,140 alleles (0.0026%); highest among the groups gnomAD compares: African/African-American, 0.012%; no homozygotes.

Submissions (5):

CeGaT Center for Human Genetics Tuebingen
Classification: Uncertain significance. Last evaluated: 2026-04-01. Review status: criteria provided, single submitter. Criteria: CeGaT Center For Human Genetics Tuebingen Variant Classification Criteria Version 2. Collection method: clinical testing. Allele origin: germline. Affected: yes. Observed: 1 variant allele.
Comment: TTN: PM2

Revvity Omics, Revvity
Classification: Uncertain significance. Last evaluated: 2021-11-24. Review status: criteria provided, single submitter. Criteria: ACMG Guidelines, 2015. Collection method: clinical testing. Allele origin: germline.

Ambry Genetics
Classification: Likely benign for Cardiovascular phenotype. Last evaluated: 2020-05-20. Review status: criteria provided, single submitter. Criteria: Ambry Variant Classification Scheme 2023. Collection method: clinical testing. Allele origin: germline.

GeneDx
Classification: Likely benign. Last evaluated: 2019-10-09. Review status: criteria provided, single submitter. Criteria: GeneDx Variant Classification Process June 2021. Collection method: clinical testing. Allele origin: germline. Affected: yes.
Comment: See Variant Classification Assertion Criteria.

Labcorp Genetics (formerly Invitae), Labcorp
Classification: Uncertain significance for Dilated cardiomyopathy 1G; Autosomal recessive limb-girdle muscular dystrophy type 2J. Last evaluated: 2016-11-18. Review status: criteria provided, single submitter. Criteria: Invitae Variant Classification Sherloc (09022015). Collection method: clinical testing. Allele origin: germline.

NM_001267550.2(TTN):c.69251G>A (p.Arg23084Gln)

Genes: TTN (titin; minus strand), TTN-AS1 (TTN antisense RNA 1; plus strand). Cytogenetic location: 2q31.2.
Variant type: single nucleotide variant.
Coding change: c.69251G>A on transcript NM_001267550.2 (MANE Select); coding-DNA position 69251, G replaced by A.
Protein change: p.Arg23084Gln; replaces arginine 23084 with glutamine.
Molecular consequence: missense variant.
Genome position (GRCh38, 1-based): chr2:178,577,084, C>T on the plus strand (G>A on the coding strand, the complement: TTN is on the minus strand). VCF-style: chr2-178577084-C-T. GRCh37 (hg19) VCF-style: chr2-179441811-C-T.
Other names: c.69251G>A (NM_001267550.1); c.64328G>A, p.Arg21443Gln (NM_001256850.1); c.42056G>A, p.Arg14019Gln (NM_003319.4); c.61547G>A, p.Arg20516Gln (NM_133378.4); c.42431G>A, p.Arg14144Gln (NM_133432.3); c.42632G>A, p.Arg14211Gln (NM_133437.4); short protein forms R23084Q, R21443Q, R14019Q, R20516Q, R14144Q, R14211Q.
Identifiers: ClinVar variation 405096 (VCV000405096.11), dbSNP rs200191748, ClinGen allele CA1990959.